The following is an entry in ClinVar:

NM_005677.4(COLQ):c.242A>G (p.Asn81Ser)

Gene: COLQ (collagen like tail subunit of asymmetric acetylcholinesterase; minus strand). Cytogenetic location: 3p25.1.
Variant type: single nucleotide variant.
Coding change: c.242A>G on transcript NM_005677.4 (MANE Select); coding-DNA position 242, A replaced by G.
Protein change: p.Asn81Ser; replaces asparagine 81 with serine.
Molecular consequence: missense variant. On other transcripts: intron variant (1).
Genome position (GRCh38, 1-based): chr3:15,488,285, T>C on the plus strand (A>G on the coding strand, the complement: COLQ is on the minus strand). VCF-style: chr3-15488285-T-C. GRCh37 (hg19) VCF-style: chr3-15529792-T-C.
Other names: c.212A>G, p.Asn71Ser (NM_080538.2); c.219+1240A>G (NM_080539.4); short protein forms N81S, N71S.
Identifiers: ClinVar variation 536242 (VCV000536242.19), dbSNP rs777215134, ClinGen allele CA2276272.

ClinVar aggregate classification (germline): Uncertain significance. Review status: criteria provided, multiple submitters, no conflicts (2 of 4 stars). 4 submissions from 4 submitters: Uncertain significance (4). Last evaluated 2025-11-12.

Conditions:
Congenital myasthenic syndrome 5. Identifiers: Orphanet 590, MedGen C1864233, MONDO:0011281, OMIM 603034.
Inborn genetic diseases. Identifiers: MedGen C0950123, MeSH D030342.

Allele frequency attached by ClinVar (database versions not stated): ExAC 0.00001; gnomAD 0.00001 and 0.00038; gnomAD exomes 0.00001; TOPMed 0.00051.
gnomAD v4.1: 56 of 1,613,514 alleles (0.0035%); highest among the groups gnomAD compares: Non-Finnish European, 0.00042%; 2 homozygotes.

Submissions (4):

Ambry Genetics
Classification: Uncertain significance for Inborn genetic diseases. Last evaluated: 2025-11-12. Review status: criteria provided, single submitter. Criteria: Ambry Variant Classification Scheme 2023. Collection method: clinical testing. Allele origin: germline.

Labcorp Genetics (formerly Invitae), Labcorp
Classification: Uncertain significance for Congenital myasthenic syndrome 5. Last evaluated: 2023-11-13. Review status: criteria provided, single submitter. Criteria: Invitae Variant Classification Sherloc (09022015). Collection method: clinical testing. Allele origin: germline.
Comment: This sequence change replaces asparagine, which is neutral and polar, with serine, which is neutral and polar, at codon 81 of the COLQ protein (p.Asn81Ser). This variant is present in population databases (rs777215134, gnomAD 0.003%). This variant has not been reported in the literature in individuals affected with COLQ-related conditions. ClinVar contains an entry for this variant (Variation ID: 536242). Advanced modeling of protein sequence and biophysical properties (such as structural, functional, and spatial information, amino acid conservation, physicochemical variation, residue mobility, and thermodynamic stability) performed at Invitae indicates that this missense variant is not expected to disrupt COLQ protein function with a negative predictive value of 80%. In summary, the available evidence is currently insufficient to determine the role of this variant in disease. Therefore, it has been classified as a Variant of Uncertain Significance.

Revvity Omics, Revvity
Classification: Uncertain significance for Congenital myasthenic syndrome 5. Last evaluated: 2019-04-11. Review status: criteria provided, single submitter. Criteria: ACMG Guidelines, 2015. Collection method: clinical testing. Allele origin: germline.

Mayo Clinic Laboratories, Mayo Clinic
Classification: Uncertain significance for Congenital myasthenic syndrome 5. Last evaluated: 2017-11-15. Review status: criteria provided, single submitter. Criteria: ACMG Guidelines, 2015. Collection method: clinical testing. Allele origin: paternal.